The following is an entry in ClinVar:

ClinVar aggregate classification (germline): Uncertain significance (1 of 4 stars; one submission).

Submission:

GeneDx
Classification: Uncertain significance. Last evaluated: 2025-05-14. Review status: criteria provided, single submitter. Criteria: GeneDx Variant Classification Process June 2021. Collection method: clinical testing. Allele origin: germline. Affected: yes.
Comment: Not observed at significant frequency in large population cohorts (gnomAD); In silico analysis suggests that this missense variant does not alter protein structure/function; Has not been previously published as pathogenic or benign to our knowledge

NM_000426.4(LAMA2):c.6273C>G (p.Ile2091Met)

Gene: LAMA2 (laminin subunit alpha 2; plus strand). Cytogenetic location: 6q22.33.
Variant type: single nucleotide variant.
Coding change: c.6273C>G on transcript NM_000426.4 (MANE Select); coding-DNA position 6273, C replaced by G.
Protein change: p.Ile2091Met; replaces isoleucine 2091 with methionine.
Molecular consequence: missense variant.
Genome position (GRCh38, 1-based): chr6:129,443,067, C>G. VCF-style: chr6-129443067-C-G. GRCh37 (hg19) VCF-style: chr6-129764212-C-G.
Other names: c.6273C>G, p.Ile2091Met (NM_001079823.2); short protein forms I2091M.
Identifiers: ClinVar variation 4529901 (VCV004529901.1).